The following is an entry in ClinVar:

NM_016219.5(MAN1B1):c.589C>G (p.Pro197Ala)

Gene: MAN1B1 (mannosidase alpha class 1B member 1; plus strand). Cytogenetic location: 9q34.3.
Variant type: single nucleotide variant.
Coding change: c.589C>G on transcript NM_016219.5 (MANE Select); coding-DNA position 589, C replaced by G.
Protein change: p.Pro197Ala; replaces proline 197 with alanine.
Molecular consequence: missense variant. On other transcripts: non-coding transcript variant (2).
Genome position (GRCh38, 1-based): chr9:137,096,360, C>G. VCF-style: chr9-137096360-C-G. GRCh37 (hg19) VCF-style: chr9-139990812-C-G.
Other names: c.481C>G, p.Pro161Ala (NM_007230.1); short protein forms P161A, P197A.
Identifiers: ClinVar variation 2505851 (VCV002505851.1), dbSNP rs1031738240, ClinGen allele CA201687076.

ClinVar aggregate classification (germline): Uncertain significance (1 of 4 stars; one submission).

Allele frequency attached by ClinVar (database versions not stated): gnomAD 0.00001; gnomAD exomes 0.00001; TOPMed 0.00001.
gnomAD v4.1: 8 of 1,613,740 alleles (0.0005%); highest among the groups gnomAD compares: Non-Finnish European, 0.00068%; no homozygotes.

Submission:

GeneDx
Classification: Uncertain significance. Last evaluated: 2022-12-15. Review status: criteria provided, single submitter. Criteria: GeneDx Variant Classification Process June 2021. Collection method: clinical testing. Allele origin: germline. Affected: yes.
Comment: Not observed at significant frequency in large population cohorts (gnomAD); In silico analysis supports that this missense variant does not alter protein structure/function; Has not been previously published as pathogenic or benign to our knowledge